The following is an entry in ClinVar:

ClinVar aggregate classification (germline): Likely benign. Review status: criteria provided, multiple submitters, no conflicts (2 of 4 stars). 6 submissions from 6 submitters: Likely benign (4). 2 of the submissions do not count toward it. Last evaluated 2026-01-25.

Conditions:
Hermansky-Pudlak syndrome (HPS). Also called: ALBINISM WITH HEMORRHAGIC DIATHESIS AND PIGMENTED RETICULOENDOTHELIAL CELLS. Identifiers: Orphanet 79430, MedGen C0079504, MONDO:0019312.
HPS1-related disorder. Also called: HPS1-related condition.

Allele frequency attached by ClinVar (database versions not stated): 1000 Genomes Project 0.00379; 1000 Genomes Project 30x 0.00406.
gnomAD v4.1: 629 of 1,613,814 alleles (0.039%); highest among the groups gnomAD compares: African/African-American, 0.66%; 1 homozygote.

Submissions (6):

Labcorp Genetics (formerly Invitae), Labcorp
Classification: Likely benign. Last evaluated: 2026-01-25. Review status: criteria provided, single submitter. Criteria: Invitae Variant Classification Sherloc (09022015). Collection method: clinical testing. Allele origin: germline.

Mayo Clinic Laboratories, Mayo Clinic
Classification: Likely benign. Last evaluated: 2025-01-13. Review status: criteria provided, single submitter. Criteria: ACMG Guidelines, 2015. Collection method: clinical testing. Allele origin: germline. Observed: 1 variant allele.
Comment: BS1, BP4_moderate, PM1_supporting

Blueprint Genetics
Classification: Likely benign. Last evaluated: 2024-11-20. Review status: criteria provided, single submitter. Criteria: ACMG Guidelines, 2015. Collection method: clinical testing. Allele origin: germline.

Breakthrough Genomics
Classification: Likely benign. Review status: criteria provided, single submitter. Criteria: ACMG Guidelines, 2015. Collection method: not provided. Allele origin: germline. Inheritance: Autosomal recessive inheritance. Affected: yes.

PreventionGenetics, part of Exact Sciences
Classification: Likely benign for HPS1-related condition. Last evaluated: 2023-11-22. Review status: no assertion criteria provided. Collection method: clinical testing. Allele origin: germline. Not counted in ClinVar's aggregate classification.
Comment: This variant is classified as likely benign based on ACMG/AMP sequence variant interpretation guidelines (Richards et al. 2015 PMID: 25741868, with internal and published modifications).

Natera, Inc.
Classification: Likely benign for Hermansky-Pudlak syndrome. Last evaluated: 2020-09-16. Review status: no assertion criteria provided. Collection method: clinical testing. Allele origin: germline. Not counted in ClinVar's aggregate classification.

NM_000195.5(HPS1):c.847G>A (p.Gly283Arg)

Gene: HPS1 (HPS1 biogenesis of lysosomal organelles complex 3 subunit 1; minus strand). Cytogenetic location: 10q24.2.
Variant type: single nucleotide variant.
Coding change: c.847G>A on transcript NM_000195.5 (MANE Select); coding-DNA position 847, G replaced by A.
Protein change: p.Gly283Arg; replaces glycine 283 with arginine.
Molecular consequence: missense variant. On other transcripts: 5 prime UTR variant (1), synonymous variant (1), intron variant (8).
Genome position (GRCh38, 1-based): chr10:98,429,811, C>T on the plus strand (G>A on the coding strand, the complement: HPS1 is on the minus strand). VCF-style: chr10-98429811-C-T. GRCh37 (hg19) VCF-style: chr10-100189568-C-T.
Other names: p.Gly283Arg; c.847G>A, p.Gly283Arg (NM_001322476.2, NM_001322477.2, NM_182639.4); c.586G>A, p.Gly196Arg (NM_001322480.2, NM_001322481.2); c.478G>A, p.Gly160Arg (NM_001322483.2, NM_001322484.2); c.-126G>A (NM_001322487.2); c.729G>A, p.Leu243= (NM_001322490.2); c.769-169G>A (NM_001322478.2, NM_001322479.2, NM_001322491.2); c.400-169G>A (NM_001322485.2); and 3 more; short protein forms G160R, G196R, G283R.
Identifiers: ClinVar variation 713756 (VCV000713756.17), dbSNP rs11592273, ClinGen allele CA5639262.